The following is an entry in ClinVar:

NM_138775.3(ALKBH8):c.1957G>T (p.Asp653Tyr)

Gene: ALKBH8 (alkB homolog 8, tRNA methyltransferase; minus strand). Cytogenetic location: 11q22.3.
Variant type: single nucleotide variant.
Coding change: c.1957G>T on transcript NM_138775.3 (MANE Select); coding-DNA position 1957, G replaced by T.
Protein change: p.Asp653Tyr; replaces aspartic acid 653 with tyrosine.
Molecular consequence: missense variant. On other transcripts: non-coding transcript variant (6).
Genome position (GRCh38, 1-based): chr11:107,504,696, C>A on the plus strand (G>T on the coding strand, the complement: ALKBH8 is on the minus strand). VCF-style: chr11-107504696-C-A. GRCh37 (hg19) VCF-style: chr11-107375422-C-A.
Other names: c.1957G>T, p.Asp653Tyr (NM_001301010.3); c.1807G>T, p.Asp603Tyr (NM_001378133.1); short protein forms D603Y, D653Y.
Identifiers: ClinVar variation 3038293 (VCV003038293.2), dbSNP rs117249984, ClinGen allele CA6260987.
Genomic context (GRCh38, chr11:107,504,696, plus strand): 5'-TATGATGTGTTCAGGTAAATAATCAGGCCTTTTGAAGAATCACACACCAGTTTCCTTGAT[C>A]GTAGTAGCTTTGCAGAATTCTGACATCACTCACAGTCCTGCAGGCACCTTCCAGTTCTCC-3'
Protein context (NP_620130.2, residues 643-663): SDVRILQSYY[Asp653Tyr]QGNWCVILQK

ClinVar aggregate classification (germline): Benign (0 of 4 stars; one submission).

Conditions:
ALKBH8-related disorder. Also called: ALKBH8-related condition.

Allele frequency attached by ClinVar (database versions not stated): 1000 Genomes Project 30x 0.00890; 1000 Genomes Project 0.00919; ESP Exome Variant Server 0.01643.

Submission:

PreventionGenetics, part of Exact Sciences
Classification: Benign for ALKBH8-related condition. Last evaluated: 2019-10-30. Review status: no assertion criteria provided. Collection method: clinical testing. Allele origin: germline.
Comment: This variant is classified as benign based on ACMG/AMP sequence variant interpretation guidelines (Richards et al. 2015 PMID: 25741868, with internal and published modifications).